The following is an entry in ClinVar:

ClinVar aggregate classification (germline): Uncertain significance (1 of 4 stars; one submission).

Allele frequency attached by ClinVar (database versions not stated): gnomAD exomes below 0.00001 and 0.00001; ExAC 0.00001.

Submission:

Labcorp Genetics (formerly Invitae), Labcorp
Classification: Uncertain significance. Last evaluated: 2022-12-02. Review status: criteria provided, single submitter. Criteria: Invitae Variant Classification Sherloc (09022015). Collection method: clinical testing. Allele origin: germline.
Comment: In summary, the available evidence is currently insufficient to determine the role of this variant in disease. Therefore, it has been classified as a Variant of Uncertain Significance. Algorithms developed to predict the effect of missense changes on protein structure and function are either unavailable or do not agree on the potential impact of this missense change (SIFT: "Deleterious"; PolyPhen-2: "Not Available"; Align-GVGD: "Class C0"). ClinVar contains an entry for this variant (Variation ID: 1500283). This variant has not been reported in the literature in individuals affected with ERCC6L2-related conditions. This variant is present in population databases (rs776582574, gnomAD 0.004%). This sequence change replaces serine, which is neutral and polar, with asparagine, which is neutral and polar, at codon 1462 of the ERCC6L2 protein (p.Ser1462Asn).

NM_020207.7(ERCC6L2):c.4352G>A (p.Ser1451Asn)

Gene: ERCC6L2 (ERCC excision repair 6 like 2; plus strand). Cytogenetic location: 9q22.32.
Variant type: single nucleotide variant.
Coding change: c.4352G>A on transcript NM_020207.7 (MANE Select); coding-DNA position 4352, G replaced by A.
Protein change: p.Ser1451Asn; replaces serine 1451 with asparagine.
Molecular consequence: missense variant. On other transcripts: non-coding transcript variant (1), intron variant (2).
Genome position (GRCh38, 1-based): chr9:96,012,902, G>A. VCF-style: chr9-96012902-G-A. GRCh37 (hg19) VCF-style: chr9-98775184-G-A.
Other names: c.3674+8201G>A (NM_001375291.1, NM_001375292.1); short protein forms S1451N.
Identifiers: ClinVar variation 1500283 (VCV001500283.8), dbSNP rs776582574, ClinGen allele CA5140097.